The following is an entry in ClinVar:

NM_182931.3(KMT2E):c.3724G>C (p.Ala1242Pro)

Gene: KMT2E (lysine methyltransferase 2E (inactive); plus strand). Cytogenetic location: 7q22.3.
Variant type: single nucleotide variant.
Coding change: c.3724G>C on transcript NM_182931.3 (MANE Select); coding-DNA position 3724, G replaced by C.
Protein change: p.Ala1242Pro; replaces alanine 1242 with proline.
Molecular consequence: missense variant.
Genome position (GRCh38, 1-based): chr7:105,109,197, G>C. VCF-style: chr7-105109197-G-C. GRCh37 (hg19) VCF-style: chr7-104749644-G-C.
Other names: c.3724G>C, p.Ala1242Pro (NM_018682.4); short protein forms A1242P.
Identifiers: ClinVar variation 1487600 (VCV001487600.6), dbSNP rs2129570024, ClinGen allele CA368790485.

ClinVar aggregate classification (germline): Uncertain significance (1 of 4 stars; one submission).

Submission:

Labcorp Genetics (formerly Invitae), Labcorp
Classification: Uncertain significance. Last evaluated: 2021-08-31. Review status: criteria provided, single submitter. Criteria: Invitae Variant Classification Sherloc (09022015). Collection method: clinical testing. Allele origin: germline.
Comment: This sequence change replaces alanine with proline at codon 1242 of the KMT2E protein (p.Ala1242Pro). The alanine residue is weakly conserved and there is a small physicochemical difference between alanine and proline. This variant is not present in population databases (ExAC no frequency). This variant has not been reported in the literature in individuals affected with KMT2E-related conditions. Algorithms developed to predict the effect of missense changes on protein structure and function (SIFT, PolyPhen-2, Align-GVGD) all suggest that this variant is likely to be tolerated. In summary, the available evidence is currently insufficient to determine the role of this variant in disease. Therefore, it has been classified as a Variant of Uncertain Significance.